The following is an entry in ClinVar:

ClinVar aggregate classification (germline): Uncertain significance (1 of 4 stars; one submission).

Conditions:
Neuromuscular disease caused by qualitative or quantitative defects of dysferlin. Also called: Qualitative or quantitative defects of dysferlin; Dysferlinopathy. Identifiers: Orphanet 207073, MedGen C2931687, MONDO:0016145.

gnomAD v4.1: 1 of 1,614,140 alleles (0.000062%); highest among the groups gnomAD compares: South Asian, 0.0011%; no homozygotes.

Submission:

Labcorp Genetics (formerly Invitae), Labcorp
Classification: Uncertain significance for Neuromuscular disease caused by qualitative or quantitative defects of dysferlin. Last evaluated: 2021-11-30. Review status: criteria provided, single submitter. Criteria: Invitae Variant Classification Sherloc (09022015). Collection method: clinical testing. Allele origin: germline.
Comment: This sequence change replaces histidine, which is basic and polar, with arginine, which is basic and polar, at codon 762 of the DYSF protein (p.His762Arg). This variant is not present in population databases (gnomAD no frequency). This variant has not been reported in the literature in individuals affected with DYSF-related conditions. Advanced modeling of protein sequence and biophysical properties (such as structural, functional, and spatial information, amino acid conservation, physicochemical variation, residue mobility, and thermodynamic stability) performed at Invitae indicates that this missense variant is not expected to disrupt DYSF protein function. In summary, the available evidence is currently insufficient to determine the role of this variant in disease. Therefore, it has been classified as a Variant of Uncertain Significance.

NM_001130987.2(DYSF):c.2339A>G (p.His780Arg)

Gene: DYSF (dysferlin; plus strand). Cytogenetic location: 2p13.2.
Variant type: single nucleotide variant.
Coding change: c.2339A>G on transcript NM_001130987.2 (MANE Select); coding-DNA position 2339, A replaced by G.
Protein change: p.His780Arg; replaces histidine 780 with arginine.
Molecular consequence: missense variant.
Genome position (GRCh38, 1-based): chr2:71,561,874, A>G. VCF-style: chr2-71561874-A-G. GRCh37 (hg19) VCF-style: chr2-71789004-A-G.
Other names: c.2288A>G, p.His763Arg (NM_001130455.2, NM_001130983.2); c.2243A>G, p.His748Arg (NM_001130976.2, NM_001130977.2); c.2285A>G, p.His762Arg (NM_001130978.2, NM_003494.4); c.2378A>G, p.His793Arg (NM_001130979.2); c.2336A>G, p.His779Arg (NM_001130980.2, NM_001130981.2); c.2381A>G, p.His794Arg (NM_001130982.2); c.2246A>G, p.His749Arg (NM_001130984.2, NM_001130986.2); c.2339A>G, p.His780Arg (NM_001130985.2); short protein forms H763R, H748R, H779R, H749R, H762R, H780R, H793R, H794R.
Identifiers: ClinVar variation 1435518 (VCV001435518.3), dbSNP rs2152803946, ClinGen allele CA347209672.
Genomic context (GRCh38, chr2:71,561,874, plus strand): 5'-AGCTGCGCACCCATCACCTGAGCCAAATCACTGAGGCTGCCCTGGCCCTGAAGCTCGGCC[A>G]CAGTGAGCTCCCTGCAGCTCTGGAGCAGGCGGAGGACTGGCTCCTGCGTCTGCGTGCCCT-3'
Protein context (NP_001124459.1, residues 770-790): TEAALALKLG[His780Arg]SELPAALEQA